The following is an entry in ClinVar:

NM_014855.3(AP5Z1):c.2339A>C (p.His780Pro)

Gene: AP5Z1 (adaptor related protein complex 5 subunit zeta 1; plus strand). Cytogenetic location: 7p22.1.
Variant type: single nucleotide variant.
Coding change: c.2339A>C on transcript NM_014855.3 (MANE Select); coding-DNA position 2339, A replaced by C.
Protein change: p.His780Pro; replaces histidine 780 with proline.
Molecular consequence: missense variant. On other transcripts: non-coding transcript variant (1).
Genome position (GRCh38, 1-based): chr7:4,791,300, A>C. VCF-style: chr7-4791300-A-C. GRCh37 (hg19) VCF-style: chr7-4830931-A-C.
Other names: c.1871A>C, p.His624Pro (NM_001364858.1); short protein forms H624P, H780P.
Identifiers: ClinVar variation 1403364 (VCV001403364.8), dbSNP rs763182775, ClinGen allele CA4138438.

ClinVar aggregate classification (germline): Uncertain significance (1 of 4 stars; one submission).

Conditions:
Hereditary spastic paraplegia 48. Also called: SPASTIC PARAPLEGIA 48, AUTOSOMAL RECESSIVE; Spastic paraplegia 48. Identifiers: Orphanet 306511, MedGen C3150901, MONDO:0013342, OMIM 613647.

Allele frequency attached by ClinVar (database versions not stated): gnomAD exomes below 0.00001; ExAC 0.00001.

Submission:

Labcorp Genetics (formerly Invitae), Labcorp
Classification: Uncertain significance for Hereditary spastic paraplegia 48. Last evaluated: 2022-07-19. Review status: criteria provided, single submitter. Criteria: Invitae Variant Classification Sherloc (09022015). Collection method: clinical testing. Allele origin: germline.
Comment: In summary, the available evidence is currently insufficient to determine the role of this variant in disease. Therefore, it has been classified as a Variant of Uncertain Significance. Algorithms developed to predict the effect of missense changes on protein structure and function are either unavailable or do not agree on the potential impact of this missense change (SIFT: "Deleterious"; PolyPhen-2: "Probably Damaging"; Align-GVGD: "Class C0"). ClinVar contains an entry for this variant (Variation ID: 1403364). This variant has not been reported in the literature in individuals affected with AP5Z1-related conditions. This variant is present in population databases (rs763182775, gnomAD 0.0009%). This sequence change replaces histidine, which is basic and polar, with proline, which is neutral and non-polar, at codon 780 of the AP5Z1 protein (p.His780Pro).